The following is an entry in ClinVar:

NM_018112.3(TMEM38B):c.793A>C (p.Asn265His)

Gene: TMEM38B (transmembrane protein 38B; plus strand). Cytogenetic location: 9q31.2.
Variant type: single nucleotide variant.
Coding change: c.793A>C on transcript NM_018112.3 (MANE Select); coding-DNA position 793, A replaced by C.
Protein change: p.Asn265His; replaces asparagine 265 with histidine.
Molecular consequence: missense variant.
Genome position (GRCh38, 1-based): chr9:105,773,997, A>C. VCF-style: chr9-105773997-A-C. GRCh37 (hg19) VCF-style: chr9-108536278-A-C.
Other names: short protein forms N265H.
Identifiers: ClinVar variation 4772779 (VCV004772779.1).

ClinVar aggregate classification (germline): Uncertain significance (1 of 4 stars; one submission).

gnomAD v4.1: 14 of 1,613,842 alleles (0.00087%); highest among the groups gnomAD compares: Non-Finnish European, 0.0012%; no homozygotes.

Submission:

Labcorp Genetics (formerly Invitae), Labcorp
Classification: Uncertain significance. Last evaluated: 2026-01-19. Review status: criteria provided, single submitter. Criteria: Invitae Variant Classification Sherloc (09022015). Collection method: clinical testing. Allele origin: germline.
Comment: This sequence change replaces asparagine, which is neutral and polar, with histidine, which is basic and polar, at codon 265 of the TMEM38B protein (p.Asn265His). This variant is not present in population databases (gnomAD no frequency). This variant has not been reported in the literature in individuals affected with TMEM38B-related conditions. An algorithm developed to predict the effect of missense changes on protein structure and function (PolyPhen-2) suggests that this variant is likely to be disruptive. In summary, the available evidence is currently insufficient to determine the role of this variant in disease. Therefore, it has been classified as a Variant of Uncertain Significance.